The following is an entry in ClinVar:

ClinVar aggregate classification (germline): Uncertain significance (1 of 4 stars; one submission).

gnomAD v4.1: 8 of 1,613,702 alleles (0.0005%); highest among the groups gnomAD compares: Admixed American, 0.0033%; no homozygotes.

Submission:

Dasa
Classification: Uncertain significance. Last evaluated: 2025-07-13. Review status: criteria provided, single submitter. Criteria: DASA Assertion Criteria. Collection method: clinical testing. Allele origin: germline.
Comment: NM_001036.6(RYR3):c.1202A>T (p.Gln401Leu) is a missense variant that results in the substitution of glutamine with leucine. This variant is rare in population databases. Computational prediction algorithms are consistent with a deleterious effect. The currently available literature and clinical evidence are not sufficient to establish a definitive association between this variant and the reported condition. Therefore, this variant is classified as a variant of uncertain significance.

NM_001036.6(RYR3):c.1202A>T (p.Gln401Leu)

Gene: RYR3 (ryanodine receptor 3; plus strand). Cytogenetic location: 15q14.
Variant type: single nucleotide variant.
Coding change: c.1202A>T on transcript NM_001036.6 (MANE Select); coding-DNA position 1202, A replaced by T.
Protein change: p.Gln401Leu; replaces glutamine 401 with leucine.
Molecular consequence: missense variant.
Genome position (GRCh38, 1-based): chr15:33,566,733, A>T. VCF-style: chr15-33566733-A-T. GRCh37 (hg19) VCF-style: chr15-33858934-A-T.
Other names: c.1202A>T, p.Gln401Leu (NM_001243996.4); short protein forms Q401L.
Identifiers: ClinVar variation 4883063 (VCV004883063.2).